The following is an entry in ClinVar:

NM_030665.4(RAI1):c.1686C>T (p.Asp562=)

Gene: RAI1 (retinoic acid induced 1; plus strand). Cytogenetic location: 17p11.2.
Variant type: single nucleotide variant.
Coding change: c.1686C>T on transcript NM_030665.4 (MANE Select); coding-DNA position 1686, C replaced by T.
Protein change: p.Asp562=; no amino-acid change (aspartic acid 562 retained).
Molecular consequence: synonymous variant.
Genome position (GRCh38, 1-based): chr17:17,794,634, C>T. VCF-style: chr17-17794634-C-T. GRCh37 (hg19) VCF-style: chr17-17697948-C-T.
Other names: c.1686C>T (NM_030665.3).
Identifiers: ClinVar variation 1539919 (VCV001539919.10), dbSNP rs770667129, ClinGen allele CA8418380.

ClinVar aggregate classification (germline): Likely benign. Review status: criteria provided, multiple submitters, no conflicts (2 of 4 stars). 3 submissions from 3 submitters: Likely benign (3). Last evaluated 2026-07-21.

Conditions:
RAI1-related disorder. Also called: RAI1-related condition.

Allele frequency attached by ClinVar (database versions not stated): ExAC 0.00001; gnomAD 0.00001; gnomAD exomes 0.00001 and 0.00002; TOPMed 0.00001.
gnomAD v4.1: 18 of 1,613,016 alleles (0.0011%); highest among the groups gnomAD compares: African/African-American, 0.0067%; no homozygotes.

Submissions (3):

PreventionGenetics, part of Exact Sciences
Classification: Likely benign for RAI1-related condition. Last evaluated: 2026-07-21. Review status: criteria provided, single submitter. Criteria: ACMG Guidelines, 2015. Collection method: clinical testing. Allele origin: germline.
Comment: This variant is classified as likely benign based on ACMG/AMP sequence variant interpretation guidelines (Richards et al. 2015 PMID: 25741868, with internal and published modifications).

Labcorp Genetics (formerly Invitae), Labcorp
Classification: Likely benign. Last evaluated: 2025-11-13. Review status: criteria provided, single submitter. Criteria: Invitae Variant Classification Sherloc (09022015). Collection method: clinical testing. Allele origin: germline.

Blueprint Genetics
Classification: Likely benign. Last evaluated: 2022-06-21. Review status: criteria provided, single submitter. Criteria: ACMG Guidelines, 2015. Collection method: clinical testing. Allele origin: germline.